The following is an entry in ClinVar:

ClinVar aggregate classification (germline): Likely pathogenic (1 of 4 stars; one submission).

Conditions:
Juvenile polyposis syndrome (JPS). Identifiers: Orphanet 2929, MedGen C0345893, MONDO:0017380, OMIM 174900.

Submissions (2):

Labcorp Genetics (formerly Invitae), Labcorp
Classification: Likely pathogenic for Juvenile polyposis syndrome. Last evaluated: 2018-04-05. Review status: criteria provided, single submitter. Criteria: Invitae Variant Classification Sherloc (09022015). Collection method: clinical testing. Allele origin: germline.
Comment: This sequence change affects an acceptor splice site in intron 4 of the BMPR1A gene. It is expected to disrupt RNA splicing and likely results in an absent or disrupted protein product. This variant is not present in population databases (ExAC no frequency). This variant has not been reported in the literature in individuals with BMPR1A-related disease. Donor and acceptor splice site variants typically lead to a loss of protein function (PMID: 16199547), and loss-of-function variants in BMPR1A are known to be pathogenic (PMID: 11536076, 12417513). In summary, the currently available evidence indicates that the variant is pathogenic, but additional data are needed to prove that conclusively. Therefore, this variant has been classified as Likely Pathogenic.

Dr. Peter K. Rogan Lab, Western University
No classification provided (evidence only). Condition: Cervical cancer. Review status: no classification provided. Collection method: in vitro. Allele origin: not applicable. Functional consequence: skipped exon. Not counted in ClinVar's aggregate classification.

Literature cited by the submitters: PubMed 16199547 (cited by Labcorp Genetics (formerly Invitae), Labcorp); PubMed 11536076 (cited by Labcorp Genetics (formerly Invitae), Labcorp); PubMed 12417513 (cited by Labcorp Genetics (formerly Invitae), Labcorp).

NM_004329.3(BMPR1A):c.231-1G>C

Gene: BMPR1A (bone morphogenetic protein receptor type 1A; plus strand). Cytogenetic location: 10q23.2.
Variant type: single nucleotide variant.
Coding change: c.231-1G>C on transcript NM_004329.3 (MANE Select); the canonical splice acceptor site of the intron before coding-DNA position 231, G replaced by C.
Molecular consequence: splice acceptor variant.
Genome position (GRCh38, 1-based): chr10:86,892,126, G>C. VCF-style: chr10-86892126-G-C. GRCh37 (hg19) VCF-style: chr10-88651883-G-C.
Other names: c.231-1G>C (NM_001406562.1, NM_001406568.1, NM_001406567.1 and 23 more transcripts); c.147-1G>C (NM_001406584.1, NM_001406588.1, NM_001406587.1 and 2 more transcripts).
Identifiers: ClinVar variation 567998 (VCV000567998.9), dbSNP rs1564715427, ClinGen allele CA377447877.